The following is an entry in ClinVar:

NM_201384.3(PLEC):c.3551T>C (p.Leu1184Ser)

Gene: PLEC (plectin; minus strand). Cytogenetic location: 8q24.3.
Variant type: single nucleotide variant.
Coding change: c.3551T>C on transcript NM_201384.3 (MANE Select); coding-DNA position 3551, T replaced by C.
Protein change: p.Leu1184Ser; replaces leucine 1184 with serine.
Molecular consequence: missense variant.
Genome position (GRCh38, 1-based): chr8:143,927,615, A>G on the plus strand (T>C on the coding strand, the complement: PLEC is on the minus strand). VCF-style: chr8-143927615-A-G. GRCh37 (hg19) VCF-style: chr8-145001783-A-G.
Other names: c.3632T>C (NM_000445.3); c.3632T>C, p.Leu1211Ser (NM_000445.5); c.3509T>C, p.Leu1170Ser (NM_201378.4); c.3485T>C, p.Leu1162Ser (NM_201379.3); c.3962T>C, p.Leu1321Ser (NM_201380.4); c.3455T>C, p.Leu1152Ser (NM_201381.3); c.3551T>C, p.Leu1184Ser (NM_201382.4); c.3563T>C, p.Leu1188Ser (NM_201383.3); short protein forms L1188S, L1152S, L1162S, L1170S, L1321S, L1184S, L1211S.
Identifiers: ClinVar variation 598546 (VCV000598546.12), dbSNP rs1360249382, ClinGen allele CA372565714.

ClinVar aggregate classification (germline): Uncertain significance. Review status: criteria provided, multiple submitters, no conflicts (2 of 4 stars). 3 submissions from 3 submitters: Uncertain significance (3). Last evaluated 2025-08-21.

Conditions:
Inborn genetic diseases. Identifiers: MedGen C0950123, MeSH D030342.
Epidermolysis bullosa simplex 5B, with muscular dystrophy (EBS5B). Also called: Epidermolysis bullosa simplex with muscular dystrophy; EPIDERMOLYSIS BULLOSA SIMPLEX AND LIMB-GIRDLE MUSCULAR DYSTROPHY. Identifiers: Orphanet 257, MedGen C2931072, MONDO:0009181, OMIM 226670.
Epidermolysis bullosa simplex, Ogna type (EBS5A). Also called: Pidermolysis bullosa simplex 5A, Ogna type; EPIDERMOLYSIS BULLOSA SIMPLEX 5A, OGNA TYPE. Identifiers: Orphanet 79401, MedGen C0432317, MONDO:0007555, OMIM 131950.
Epidermolysis bullosa simplex with nail dystrophy (EBS5D). Identifiers: MedGen C4225309, MONDO:0014661, OMIM 616487.
Autosomal recessive limb-girdle muscular dystrophy type 2Q (LGMDR17). Also called: MUSCULAR DYSTROPHY, LIMB-GIRDLE, AUTOSOMAL RECESSIVE 17. Identifiers: Orphanet 254361, MedGen C3150989, MONDO:0013390, OMIM 613723.
Epidermolysis bullosa simplex 5C, with pyloric atresia (EBS5C). Also called: PLEC-Related Epidermolysis Bullosa with Pyloric Atresia; Epidermolysis bullosa simplex with pyloric atresia; PLEC1-Related Epidermolysis Bullosa with Pyloric Atresia. Identifiers: Orphanet 158684, MedGen C2677349, MONDO:0012807, OMIM 612138.

Allele frequency attached by ClinVar (database versions not stated): TOPMed below 0.00001.

Submissions (3):

Ambry Genetics
Classification: Uncertain significance for Inborn genetic diseases. Last evaluated: 2025-08-21. Review status: criteria provided, single submitter. Criteria: Ambry Variant Classification Scheme 2023. Collection method: clinical testing. Allele origin: germline.

Labcorp Genetics (formerly Invitae), Labcorp
Classification: Uncertain significance for Autosomal recessive limb-girdle muscular dystrophy type 2Q; Epidermolysis bullosa simplex, Ogna type; Epidermolysis bullosa simplex with nail dystrophy; Epidermolysis bullosa simplex 5C, with pyloric atresia; Epidermolysis bullosa simplex 5B, with muscular dystrophy. Last evaluated: 2019-10-18. Review status: criteria provided, single submitter. Criteria: Invitae Variant Classification Sherloc (09022015). Collection method: clinical testing. Allele origin: germline.
Comment: This sequence change replaces leucine with serine at codon 1211 of the PLEC protein (p.Leu1211Ser). The leucine residue is highly conserved and there is a large physicochemical difference between leucine and serine. This variant is not present in population databases (ExAC no frequency). This variant has not been reported in the literature in individuals with PLEC-related conditions. ClinVar contains an entry for this variant (Variation ID: 598546). Algorithms developed to predict the effect of missense changes on protein structure and function are either unavailable or do not agree on the potential impact of this missense change (SIFT: "Deleterious"; PolyPhen-2: "Not Available"; Align-GVGD: "Class C65"). In summary, the available evidence is currently insufficient to determine the role of this variant in disease. Therefore, it has been classified as a Variant of Uncertain Significance.

Eurofins Ntd Llc (ga)
Classification: Uncertain significance. Last evaluated: 2018-08-28. Review status: criteria provided, single submitter. Criteria: EGL ClinVar v180209 classification definitions. Collection method: clinical testing. Allele origin: germline. Observed: 1 variant allele, 1 heterozygote.